The following is an entry in ClinVar:

NM_005546.4(ITK):c.1518C>T (p.Phe506=)

Gene: ITK (IL2 inducible T cell kinase; plus strand). Cytogenetic location: 5q33.3.
Variant type: single nucleotide variant.
Coding change: c.1518C>T on transcript NM_005546.4 (MANE Select); coding-DNA position 1518, C replaced by T.
Protein change: p.Phe506=; no amino-acid change (phenylalanine 506 retained).
Molecular consequence: synonymous variant.
Genome position (GRCh38, 1-based): chr5:157,245,884, C>T. VCF-style: chr5-157245884-C-T. GRCh37 (hg19) VCF-style: chr5-156672894-C-T.
Identifiers: ClinVar variation 1136344 (VCV001136344.23), dbSNP rs755630347, ClinGen allele CA3533125.

ClinVar aggregate classification (germline): Likely benign. Review status: criteria provided, multiple submitters, no conflicts (2 of 4 stars). 2 submissions from 2 submitters: Likely benign (2). Last evaluated 2025-12-23.

Conditions:
Lymphoproliferative syndrome 1 (LPFS1). Identifiers: Orphanet 238505, Orphanet 538963, MedGen C3552634, MONDO:0013081, OMIM 613011.

Allele frequency attached by ClinVar (database versions not stated): gnomAD exomes 0.00002 and 0.00007; ExAC 0.00004; TOPMed 0.00011; gnomAD 0.00012 and 0.00014.
gnomAD v4.1: 48 of 1,613,368 alleles (0.003%); highest among the groups gnomAD compares: Admixed American, 0.053%; no homozygotes.

Submissions (2):

Labcorp Genetics (formerly Invitae), Labcorp
Classification: Likely benign for Lymphoproliferative syndrome 1. Last evaluated: 2025-12-23. Review status: criteria provided, single submitter. Criteria: Invitae Variant Classification Sherloc (09022015). Collection method: clinical testing. Allele origin: germline.

CeGaT Center for Human Genetics Tuebingen
Classification: Likely benign. Last evaluated: 2024-11-01. Review status: criteria provided, single submitter. Criteria: CeGaT Center For Human Genetics Tuebingen Variant Classification Criteria Version 2. Collection method: clinical testing. Allele origin: germline. Affected: yes. Observed: 1 variant allele.
Comment: ITK: BP4, BP7